The following is an entry in ClinVar:

NM_001267550.2(TTN):c.28909A>G (p.Ser9637Gly)

Gene: TTN (titin; minus strand). Cytogenetic location: 2q31.2.
Variant type: single nucleotide variant.
Coding change: c.28909A>G on transcript NM_001267550.2 (MANE Select); coding-DNA position 28909, A replaced by G.
Protein change: p.Ser9637Gly; replaces serine 9637 with glycine.
Molecular consequence: missense variant. On other transcripts: intron variant (3).
Genome position (GRCh38, 1-based): chr2:178,707,658, T>C on the plus strand (A>G on the coding strand, the complement: TTN is on the minus strand). VCF-style: chr2-178707658-T-C. GRCh37 (hg19) VCF-style: chr2-179572385-T-C.
Other names: c.27958A>G, p.Ser9320Gly (NM_001256850.1); c.25177A>G, p.Ser8393Gly (NM_133378.4); c.13282+30424A>G (NM_003319.4); c.13858+30424A>G (NM_133437.4); c.13657+30424A>G (NM_133432.3); short protein forms S9320G, S9637G, S8393G.
Identifiers: ClinVar variation 515473 (VCV000515473.1), dbSNP rs1160550023, ClinGen allele CA349587142.

ClinVar aggregate classification (germline): Likely benign (1 of 4 stars; one submission).

Allele frequency attached by ClinVar (database versions not stated): gnomAD exomes below 0.00001.

Submission:

GeneDx
Classification: Likely benign. Last evaluated: 2018-02-19. Review status: criteria provided, single submitter. Criteria: GeneDx Variant Classification (06012015). Collection method: clinical testing. Allele origin: germline. Affected: yes.
Comment: This variant is considered likely benign or benign based on one or more of the following criteria: it is a conservative change, it occurs at a poorly conserved position in the protein, it is predicted to be benign by multiple in silico algorithms, and/or has population frequency not consistent with disease.